The following is an entry in ClinVar:

NM_001371928.1(AHDC1):c.142C>G (p.Pro48Ala)

Gene: AHDC1 (AT-hook DNA binding motif containing 1; minus strand). Cytogenetic location: 1p36.11.
Variant type: single nucleotide variant.
Coding change: c.142C>G on transcript NM_001371928.1 (MANE Select); coding-DNA position 142, C replaced by G.
Protein change: p.Pro48Ala; replaces proline 48 with alanine.
Molecular consequence: missense variant.
Genome position (GRCh38, 1-based): chr1:27,551,974, G>C on the plus strand (C>G on the coding strand, the complement: AHDC1 is on the minus strand). VCF-style: chr1-27551974-G-C. GRCh37 (hg19) VCF-style: chr1-27878485-G-C.
Other names: c.142C>G, p.Pro48Ala (NM_001029882.3); short protein forms P48A.
Identifiers: ClinVar variation 4714994 (VCV004714994.1).
Genomic context (GRCh38, chr1:27,551,974, plus strand): 5'-CCCGGCGTGGGGGTGGGCGTGGGTTCTCGGAGAAGGCGTGGGTGGAGAAGGCCTTGTCAG[G>C]TGGGCTGGCAGGGGGCCGGGTGGGAAGCAGGGGCCGGGGGGTGGGGGGGCCGCCGGGGTA-3'
Protein context (NP_001358857.1, residues 38-58): LLPTRPPASP[Pro48Ala]DKAFSTHAFS

ClinVar aggregate classification (germline): Uncertain significance (1 of 4 stars; one submission).

Submission:

Labcorp Genetics (formerly Invitae), Labcorp
Classification: Uncertain significance. Last evaluated: 2025-03-19. Review status: criteria provided, single submitter. Criteria: Invitae Variant Classification Sherloc (09022015). Collection method: clinical testing. Allele origin: germline.
Comment: This sequence change replaces proline, which is neutral and non-polar, with alanine, which is neutral and non-polar, at codon 48 of the AHDC1 protein (p.Pro48Ala). This variant is not present in population databases (gnomAD no frequency). This variant has not been reported in the literature in individuals affected with AHDC1-related conditions. An algorithm developed to predict the effect of missense changes on protein structure and function (PolyPhen-2) suggests that this variant is likely to be disruptive. In summary, the available evidence is currently insufficient to determine the role of this variant in disease. Therefore, it has been classified as a Variant of Uncertain Significance.